The following is an entry in ClinVar:

ClinVar aggregate classification (germline): Uncertain significance (1 of 4 stars; one submission).

Conditions:
Familial thoracic aortic aneurysm and aortic dissection (TAAD). Also called: Thoracic aortic aneurysms and dissections. Identifiers: Orphanet 91387, MedGen C4707243, MONDO:0019625.

Allele frequency attached by ClinVar (database versions not stated): gnomAD exomes below 0.00001.
gnomAD v4.1: 1 of 1,613,808 alleles (0.000062%); highest among the groups gnomAD compares: Non-Finnish European, 0.000085%; no homozygotes.

Submission:

Color Diagnostics, LLC DBA Color Health
Classification: Uncertain significance for Familial thoracic aortic aneurysm and aortic dissection. Last evaluated: 2018-12-11. Review status: criteria provided, single submitter. Criteria: ACMG Guidelines, 2015. Collection method: clinical testing. Allele origin: germline.
Comment: Variant of Uncertain Significance due to insufficient evidence: This missense variant is located in the calcium-binding EGF-like motif 44 of the FBN1 protein. Computational prediction tools and conservation analyses suggest that this variant may have deleterious impact on the protein function. Computational splicing tools suggest that this variant may not impact RNA splicing. To our knowledge, functional assays have not been performed for this variant nor has this variant been reported in individuals affected with cardiovascular disorders in the literature. This variant is rare in the general population and has been identified in 0/277264 chromosomes by the Genome Aggregation Database (gnomAD). Available evidence is insufficient to determine the pathogenicity of this variant conclusively.

NM_000138.5(FBN1):c.7606G>T (p.Gly2536Trp)

Gene: FBN1 (fibrillin 1; minus strand). Cytogenetic location: 15q21.1.
Variant type: single nucleotide variant.
Coding change: c.7606G>T on transcript NM_000138.5 (MANE Select); coding-DNA position 7606, G replaced by T.
Protein change: p.Gly2536Trp; replaces glycine 2536 with tryptophan.
Molecular consequence: missense variant.
Genome position (GRCh38, 1-based): chr15:48,421,651, C>A on the plus strand (G>T on the coding strand, the complement: FBN1 is on the minus strand). VCF-style: chr15-48421651-C-A. GRCh37 (hg19) VCF-style: chr15-48713848-C-A.
Other names: short protein forms G2536W.
Identifiers: ClinVar variation 926099 (VCV000926099.3), dbSNP rs397515854, ClinGen allele CA392325734.
Genomic context (GRCh38, chr15:48,421,651, plus strand): 5'-ATCCCCGCTGGCATTCACAGGTGAAGCTTCCAGGAGTGTTCTGGCAAATGCCCTTAGACC[C>A]GCACAGATTGATGTCAGAGGTGCATTCATTGTTATCTATGAGAAGCAGTGGGGGCAAAGA-3'
Protein context (NP_000129.3, residues 2526-2546): NECTSDINLC[Gly2536Trp]SKGICQNTPG